The following is an entry in ClinVar:

NM_005993.5(TBCD):c.3050A>G (p.Gln1017Arg)

Gene: TBCD (tubulin folding cofactor D). Cytogenetic location: 17q25.3.
Variant type: single nucleotide variant.
Coding change: c.3050A>G on transcript NM_005993.5 (MANE Select); coding-DNA position 3050, A replaced by G.
Protein change: p.Gln1017Arg; replaces glutamine 1017 with arginine.
Molecular consequence: missense variant.
Genome position (GRCh38, 1-based): chr17:82,930,580, A>G. VCF-style: chr17-82930580-A-G. GRCh37 (hg19) VCF-style: chr17-80888456-A-G.
Other names: c.2999A>G, p.Gln1000Arg (NM_001411101.1); c.2969A>G, p.Gln990Arg (NM_001411102.1); short protein forms Q1017R, Q990R, Q1000R.
Identifiers: ClinVar variation 2989992 (VCV002989992.3), dbSNP rs751423345, ClinGen allele CA8863376.
Genomic context (GRCh38, chr17:82,930,580, plus strand): 5'-AGATCCGGCACTCCACCCAGAGCCTCTTTGAGTACATGAAGGGCATTCAGAGCGACCCGC[A>G]GGCCCTGGGCAGCTTCAGCGGGACCCTTCTGCAGATCTTTGAGGACAACCTTCTGAATGA-3'
Protein context (NP_005984.3, residues 1007-1027): EYMKGIQSDP[Gln1017Arg]ALGSFSGTLL

ClinVar aggregate classification (germline): Uncertain significance (1 of 4 stars; one submission).

Allele frequency attached by ClinVar (database versions not stated): gnomAD exomes 0.00001; ExAC 0.00002; TOPMed 0.00002.
gnomAD v4.1: 9 of 1,613,858 alleles (0.00056%); highest among the groups gnomAD compares: Admixed American, 0.01%; no homozygotes.

Submission:

Labcorp Genetics (formerly Invitae), Labcorp
Classification: Uncertain significance. Last evaluated: 2023-10-05. Review status: criteria provided, single submitter. Criteria: Invitae Variant Classification Sherloc (09022015). Collection method: clinical testing. Allele origin: germline.
Comment: This sequence change replaces glutamine, which is neutral and polar, with arginine, which is basic and polar, at codon 1017 of the TBCD protein (p.Gln1017Arg). This variant is present in population databases (rs751423345, gnomAD 0.01%). This variant has not been reported in the literature in individuals affected with TBCD-related conditions. Advanced modeling of protein sequence and biophysical properties (such as structural, functional, and spatial information, amino acid conservation, physicochemical variation, residue mobility, and thermodynamic stability) performed at Invitae indicates that this missense variant is not expected to disrupt TBCD protein function. In summary, the available evidence is currently insufficient to determine the role of this variant in disease. Therefore, it has been classified as a Variant of Uncertain Significance.